The following is an entry in ClinVar:

NM_015294.6(TRIM37):c.1116C>T (p.Cys372=)

Gene: TRIM37 (tripartite motif containing 37; minus strand). Cytogenetic location: 17q22.
Variant type: single nucleotide variant.
Coding change: c.1116C>T on transcript NM_015294.6 (MANE Select); coding-DNA position 1116, C replaced by T.
Protein change: p.Cys372=; no amino-acid change (cysteine 372 retained).
Molecular consequence: synonymous variant. On other transcripts: non-coding transcript variant (2).
Genome position (GRCh38, 1-based): chr17:59,056,958, G>A on the plus strand (C>T on the coding strand, the complement: TRIM37 is on the minus strand). VCF-style: chr17-59056958-G-A. GRCh37 (hg19) VCF-style: chr17-57134319-G-A.
Other names: c.1116C>T (NM_015294.4); c.1116C>T, p.Cys372= (NM_001005207.5, NM_001320988.3, NM_001320989.3 and 1 more transcripts); c.1014C>T, p.Cys338= (NM_001320987.3, NM_001353082.2); c.750C>T, p.Cys250= (NM_001320990.3); c.381C>T, p.Cys127= (NM_001353083.2); c.654C>T, p.Cys218= (NM_001353085.2); c.1065C>T, p.Cys355= (NM_001353086.2).
Identifiers: ClinVar variation 2911645 (VCV002911645.5), dbSNP rs201092472, ClinGen allele CA8678406.

ClinVar aggregate classification (germline): Benign. Review status: criteria provided, single submitter (1 of 4 stars). 2 submissions from 2 submitters: Benign (1). 1 of the submissions does not count toward it. Last evaluated 2025-11-25.

Conditions:
TRIM37-related disorder. Also called: TRIM37-related condition.

Allele frequency attached by ClinVar (database versions not stated): gnomAD exomes 0.00012; gnomAD 0.00005; ExAC 0.00030; 1000 Genomes Project 30x 0.00062; 1000 Genomes Project 0.00060.
gnomAD v4.1: 187 of 1,613,686 alleles (0.012%); highest among the groups gnomAD compares: South Asian, 0.19%; 2 homozygotes.

Submissions (2):

Labcorp Genetics (formerly Invitae), Labcorp
Classification: Benign. Last evaluated: 2025-11-25. Review status: criteria provided, single submitter. Criteria: Invitae Variant Classification Sherloc (09022015). Collection method: clinical testing. Allele origin: germline.

PreventionGenetics, part of Exact Sciences
Classification: Likely benign for TRIM37-related condition. Last evaluated: 2021-10-20. Review status: no assertion criteria provided. Collection method: clinical testing. Allele origin: germline. Not counted in ClinVar's aggregate classification.
Comment: This variant is classified as likely benign based on ACMG/AMP sequence variant interpretation guidelines (Richards et al. 2015 PMID: 25741868, with internal and published modifications).